The following is an entry in ClinVar:

NM_024685.4(BBS10):c.957T>C (p.Val319=)

Gene: BBS10 (Bardet-Biedl syndrome 10; minus strand). Cytogenetic location: 12q21.2.
Variant type: single nucleotide variant.
Coding change: c.957T>C on transcript NM_024685.4 (MANE Select); coding-DNA position 957, T replaced by C.
Protein change: p.Val319=; no amino-acid change (valine 319 retained).
Molecular consequence: synonymous variant.
Genome position (GRCh38, 1-based): chr12:76,347,028, A>G on the plus strand (T>C on the coding strand, the complement: BBS10 is on the minus strand). VCF-style: chr12-76347028-A-G. GRCh37 (hg19) VCF-style: chr12-76740808-A-G.
Identifiers: ClinVar variation 697012 (VCV000697012.19), dbSNP rs139645096, ClinGen allele CA6694258.
Genomic context (GRCh38, chr12:76,347,028, plus strand): 5'-AACTTCTTCTGATGATAAACACTCAACCACTGATATGCCATTCACCCCTGCATAATAACT[A>G]ACTAAATCTGGTTGTTTCACACTAGATATGAGCAATTTTACATTCTGACTATGTAGATGT-3'
Protein context (NP_078961.3, residues 309-329): LISSVKQPDL[Val319=]SYYAGVNGIS

ClinVar aggregate classification (germline): Likely benign. Review status: criteria provided, multiple submitters, no conflicts (2 of 4 stars). 6 submissions from 6 submitters: Likely benign (4). 2 of the submissions do not count toward it. Last evaluated 2025-12-24.

Conditions:
BBS10-related disorder. Also called: BBS10-related condition.
Bardet-Biedl syndrome (BBS). Identifiers: Orphanet 110, MedGen C0752166, MONDO:0015229.
Bardet-Biedl syndrome 10 (BBS10). Identifiers: Orphanet 110, MedGen C1859568, MONDO:0014438, OMIM 615987.

Allele frequency attached by ClinVar (database versions not stated): gnomAD exomes 0.00003 and 0.00010; ExAC 0.00012; gnomAD 0.00036 and 0.00039; TOPMed 0.00045; ESP Exome Variant Server 0.00054.
gnomAD v4.1: 101 of 1,612,844 alleles (0.0063%); highest among the groups gnomAD compares: African/African-American, 0.1%; no homozygotes.

Submissions (6):

Labcorp Genetics (formerly Invitae), Labcorp
Classification: Likely benign for Bardet-Biedl syndrome. Last evaluated: 2025-12-24. Review status: criteria provided, single submitter. Criteria: Invitae Variant Classification Sherloc (09022015). Collection method: clinical testing. Allele origin: germline.

Blueprint Genetics
Classification: Likely benign. Last evaluated: 2022-11-28. Review status: criteria provided, single submitter. Criteria: ACMG Guidelines, 2015. Collection method: clinical testing. Allele origin: germline.

Fulgent Genetics
Classification: Likely benign for Bardet-Biedl syndrome 10. Last evaluated: 2022-04-29. Review status: criteria provided, single submitter. Criteria: ACMG Guidelines, 2015. Collection method: clinical testing. Allele origin: unknown.

Genetic Services Laboratory, University of Chicago
Classification: Likely benign. Last evaluated: 2017-08-17. Review status: criteria provided, single submitter. Criteria: ACMG Guidelines, 2015. Collection method: clinical testing. Allele origin: germline. Affected: no.

Natera, Inc.
Classification: Likely benign for Bardet-Biedl syndrome type 10. Last evaluated: 2020-10-06. Review status: no assertion criteria provided. Collection method: clinical testing. Allele origin: germline. Not counted in ClinVar's aggregate classification.

PreventionGenetics, part of Exact Sciences
Classification: Likely benign for BBS10-related condition. Last evaluated: 2020-07-17. Review status: no assertion criteria provided. Collection method: clinical testing. Allele origin: germline. Not counted in ClinVar's aggregate classification.
Comment: This variant is classified as likely benign based on ACMG/AMP sequence variant interpretation guidelines (Richards et al. 2015 PMID: 25741868, with internal and published modifications).